The following is an entry in ClinVar:

NM_000744.7(CHRNA4):c.1459C>T (p.Arg487Trp)

Gene: CHRNA4 (cholinergic receptor nicotinic alpha 4 subunit; minus strand). Cytogenetic location: 20q13.33.
Variant type: single nucleotide variant.
Coding change: c.1459C>T on transcript NM_000744.7 (MANE Select); coding-DNA position 1459, C replaced by T.
Protein change: p.Arg487Trp; replaces arginine 487 with tryptophan.
Molecular consequence: missense variant. On other transcripts: non-coding transcript variant (1).
Genome position (GRCh38, 1-based): chr20:63,349,952, G>A on the plus strand (C>T on the coding strand, the complement: CHRNA4 is on the minus strand). VCF-style: chr20-63349952-G-A. GRCh37 (hg19) VCF-style: chr20-61981304-G-A.
Other names: c.931C>T, p.Arg311Trp (NM_001256573.2); short protein forms R487W, R311W.
Identifiers: ClinVar variation 420221 (VCV000420221.51), dbSNP rs200200279, ClinGen allele CA9957593.

ClinVar aggregate classification (germline): Conflicting classifications of pathogenicity. Review status: criteria provided, conflicting classifications (1 of 4 stars). 4 submissions from 4 submitters: Uncertain significance (2); Likely benign (2). Last evaluated 2026-06-10.

Conditions:
Familial sleep-related hypermotor epilepsy. Also called: Autosomal Dominant Sleep-Related Hypermotor (Hyperkinetic) Epilepsy. Identifiers: Orphanet 98784, MedGen C3696898, MONDO:0000030.
Inborn genetic diseases. Identifiers: MedGen C0950123, MeSH D030342.

Allele frequency attached by ClinVar (database versions not stated): TOPMed 0.00015; gnomAD 0.00016 and 0.00013; 1000 Genomes Project 30x 0.00031; ExAC 0.00031; 1000 Genomes Project 0.00040; gnomAD exomes 0.00015.

Submissions (4):

Ambry Genetics
Classification: Likely benign for Inborn genetic diseases. Last evaluated: 2026-06-10. Review status: criteria provided, single submitter. Criteria: Ambry Variant Classification Scheme 2023. Collection method: clinical testing. Allele origin: germline.

Labcorp Genetics (formerly Invitae), Labcorp
Classification: Uncertain significance. Last evaluated: 2025-07-06. Review status: criteria provided, single submitter. Criteria: Invitae Variant Classification Sherloc (09022015). Collection method: clinical testing. Allele origin: germline.
Comment: This sequence change replaces arginine, which is basic and polar, with tryptophan, which is neutral and slightly polar, at codon 487 of the CHRNA4 protein (p.Arg487Trp). This variant is present in population databases (rs200200279, gnomAD 0.07%), and has an allele count higher than expected for a pathogenic variant. This variant has not been reported in the literature in individuals affected with CHRNA4-related conditions. ClinVar contains an entry for this variant (Variation ID: 420221). Invitae Evidence Modeling of protein sequence and biophysical properties (such as structural, functional, and spatial information, amino acid conservation, physicochemical variation, residue mobility, and thermodynamic stability) indicates that this missense variant is not expected to disrupt CHRNA4 protein function with a negative predictive value of 80%. In summary, the available evidence is currently insufficient to determine the role of this variant in disease. Therefore, it has been classified as a Variant of Uncertain Significance.

CeGaT Center for Human Genetics Tuebingen
Classification: Uncertain significance. Last evaluated: 2020-11-01. Review status: criteria provided, single submitter. Criteria: CeGaT Center For Human Genetics Tuebingen Variant Classification Criteria Version 2. Collection method: clinical testing. Allele origin: germline. Affected: yes. Observed: 1 variant allele.

GeneDx
Classification: Likely benign. Last evaluated: 2019-05-28. Review status: criteria provided, single submitter. Criteria: GeneDx Variant Classification Process June 2021. Collection method: clinical testing. Allele origin: germline. Affected: yes.
Comment: This variant is associated with the following publications: (PMID: 19628475, 22873564, 21107856, 24385388, 30054184)